The following is an entry in ClinVar:

ClinVar aggregate classification (germline): Uncertain significance. Review status: criteria provided, multiple submitters, no conflicts (2 of 4 stars). 5 submissions from 5 submitters: Uncertain significance (5). Last evaluated 2025-06-06.

Conditions:
AGRN-related disorder. Also called: AGRN-related condition.
Congenital myasthenic syndrome 8. Also called: MYASTHENIC SYNDROME, CONGENITAL, DUE TO AGRIN DEFICIENCY; Myasthenic syndrome, congenital, 8, with pre- and postsynaptic defects. Identifiers: Orphanet 590, MedGen C3808739, MONDO:0014052, OMIM 615120.

Allele frequency attached by ClinVar (database versions not stated): gnomAD exomes 0.00080; gnomAD 0.00099 and 0.00107; 1000 Genomes Project 0.00100; TOPMed 0.00108; 1000 Genomes Project 30x 0.00109; ExAC 0.00111; ESP Exome Variant Server 0.00116.
gnomAD v4.1: 1,633 of 1,595,692 alleles (0.1%); highest among the groups gnomAD compares: Middle Eastern, 0.26%; 3 homozygotes.

Submissions (5):

PreventionGenetics, part of Exact Sciences
Classification: Uncertain significance for AGRN-related condition. Last evaluated: 2025-06-06. Review status: criteria provided, single submitter. Criteria: ACMG Guidelines, 2015. Collection method: clinical testing. Allele origin: germline.
Comment: The AGRN c.4343C>T variant is predicted to result in the amino acid substitution p.Pro1448Leu. This variant has been reported in the homozygous state in an individual with delayed motor milestones, generalized weakness, muscle fatigability and ptosis (Singh et al. 2020. PubMed ID: 33059315). This variant is reported in 0.11% of alleles in individuals of Latino descent in gnomAD, which is likely too frequent to be a primary cause of disease. Although we suspect that this variant may be benign, at this time, the clinical significance of this variant is uncertain due to the absence of conclusive functional and genetic evidence.

Mayo Clinic Laboratories, Mayo Clinic
Classification: Uncertain significance. Last evaluated: 2024-02-15. Review status: criteria provided, single submitter. Criteria: ACMG Guidelines, 2015. Collection method: clinical testing. Allele origin: germline. Observed: 1 variant allele.
Comment: BP4

Labcorp Genetics (formerly Invitae), Labcorp
Classification: Uncertain significance for Congenital myasthenic syndrome 8. Last evaluated: 2022-10-24. Review status: criteria provided, single submitter. Criteria: Invitae Variant Classification Sherloc (09022015). Collection method: clinical testing. Allele origin: germline.
Comment: This sequence change replaces proline, which is neutral and non-polar, with leucine, which is neutral and non-polar, at codon 1448 of the AGRN protein (p.Pro1448Leu). This variant is present in population databases (rs200232485, gnomAD 0.1%), and has an allele count higher than expected for a pathogenic variant. This missense change has been observed in individual(s) with congenital myasthenic syndrome (PMID: 33059315). ClinVar contains an entry for this variant (Variation ID: 541153). Algorithms developed to predict the effect of missense changes on protein structure and function output the following: SIFT: "Tolerated"; PolyPhen-2: "Benign"; Align-GVGD: "Class C0". The leucine amino acid residue is found in multiple mammalian species, which suggests that this missense change does not adversely affect protein function. In summary, the available evidence is currently insufficient to determine the role of this variant in disease. Therefore, it has been classified as a Variant of Uncertain Significance.

CeGaT Center for Human Genetics Tuebingen
Classification: Uncertain significance. Last evaluated: 2018-09-01. Review status: criteria provided, single submitter. Criteria: CeGaT Center For Human Genetics Tuebingen Variant Classification Criteria Version 2. Collection method: clinical testing. Allele origin: germline. Affected: yes. Observed: 1 variant allele.

Breakthrough Genomics
Classification: Uncertain significance. Review status: criteria provided, single submitter. Criteria: ACMG Guidelines, 2015. Collection method: not provided. Allele origin: germline. Inheritance: Autosomal recessive inheritance. Affected: yes.

Literature cited by the submitters: PubMed 33059315 (cited by Mayo Clinic Laboratories, Mayo Clinic and Labcorp Genetics (formerly Invitae), Labcorp); PubMed 33671084 (cited by Mayo Clinic Laboratories, Mayo Clinic).

NM_198576.4(AGRN):c.4343C>T (p.Pro1448Leu)

Gene: AGRN (agrin; plus strand). Cytogenetic location: 1p36.33.
Variant type: single nucleotide variant.
Coding change: c.4343C>T on transcript NM_198576.4 (MANE Select); coding-DNA position 4343, C replaced by T.
Protein change: p.Pro1448Leu; replaces proline 1448 with leucine.
Molecular consequence: missense variant.
Genome position (GRCh38, 1-based): chr1:1,049,280, C>T. VCF-style: chr1-1049280-C-T. GRCh37 (hg19) VCF-style: chr1-984660-C-T.
Other names: p.Pro1448Leu; c.4343C>T, p.Pro1448Leu (NM_001305275.2); c.4028C>T, p.Pro1343Leu (NM_001364727.2); short protein forms P1448L, P1343L.
Identifiers: ClinVar variation 541153 (VCV000541153.51), dbSNP rs200232485, ClinGen allele CA509433.
Genomic context (GRCh38, chr1:1,049,280, plus strand): 5'-CTGCTCCTGCCCTCAGGTTTGACACAGGTTCGGGGCCGGCGGTGCTGACCAGTGCCGTGC[C>T]GGTAGAGCCGGGCCAGTGGCACCGCCTGGAGCTGTCCCGGCACTGGCGCCGGGGCACCCT-3'
Protein context (NP_940978.2, residues 1438-1458): SGPAVLTSAV[Pro1448Leu]VEPGQWHRLE